The following is an entry in ClinVar:

ClinVar aggregate classification (germline): Benign. Review status: criteria provided, multiple submitters, no conflicts (2 of 4 stars). 4 submissions from 4 submitters: Benign (4). Last evaluated 2026-09-01.

Allele frequency attached by ClinVar (database versions not stated): 1000 Genomes Project 0.00559; 1000 Genomes Project 30x 0.00562; TOPMed 0.00836; ESP Exome Variant Server 0.00984; ExAC 0.01153; gnomAD 0.01165 and 0.01207; gnomAD exomes 0.01239 and 0.01243.
gnomAD v4.1: 19,828 of 1,614,070 alleles (1.2%); highest among the groups gnomAD compares: Non-Finnish European, 1.3%; 195 homozygotes.

Submissions (4):

CeGaT Center for Human Genetics Tuebingen
Classification: Benign. Last evaluated: 2026-09-01. Review status: criteria provided, single submitter. Criteria: CeGaT Center For Human Genetics Tuebingen Variant Classification Criteria Version 2. Collection method: clinical testing. Allele origin: germline. Affected: yes. Observed: 87 variant alleles.
Comment: LONP1: BP4, BP7, BS1, BS2

Labcorp Genetics (formerly Invitae), Labcorp
Classification: Benign. Last evaluated: 2026-02-03. Review status: criteria provided, single submitter. Criteria: Invitae Variant Classification Sherloc (09022015). Collection method: clinical testing. Allele origin: germline.

GeneDx
Classification: Benign. Last evaluated: 2019-06-20. Review status: criteria provided, single submitter. Criteria: GeneDx Variant Classification Process June 2021. Collection method: clinical testing. Allele origin: germline. Affected: yes.

Breakthrough Genomics
Classification: Benign. Review status: criteria provided, single submitter. Criteria: ACMG Guidelines, 2015. Collection method: not provided. Allele origin: germline. Inheritance: Autosomal recessive inheritance. Affected: yes.

NM_004793.4(LONP1):c.2463C>T (p.Ala821=)

Gene: LONP1 (lon peptidase 1, mitochondrial; minus strand). Cytogenetic location: 19p13.3.
Variant type: single nucleotide variant.
Coding change: c.2463C>T on transcript NM_004793.4 (MANE Select); coding-DNA position 2463, C replaced by T.
Protein change: p.Ala821=; no amino-acid change (alanine 821 retained).
Molecular consequence: synonymous variant. On other transcripts: non-coding transcript variant (1).
Genome position (GRCh38, 1-based): chr19:5,693,627, G>A on the plus strand (C>T on the coding strand, the complement: LONP1 is on the minus strand). VCF-style: chr19-5693627-G-A. GRCh37 (hg19) VCF-style: chr19-5693638-G-A.
Other names: c.2271C>T, p.Ala757= (NM_001276479.2); c.1875C>T, p.Ala625= (NM_001276480.1).
Identifiers: ClinVar variation 1261786 (VCV001261786.40), dbSNP rs140893513, ClinGen allele CA9114109.